The following is an entry in ClinVar:

NM_014874.4(MFN2):c.1522T>A (p.Ser508Thr)

Gene: MFN2 (mitofusin 2; plus strand). Cytogenetic location: 1p36.22.
Variant type: single nucleotide variant.
Coding change: c.1522T>A on transcript NM_014874.4 (MANE Select); coding-DNA position 1522, T replaced by A.
Protein change: p.Ser508Thr; replaces serine 508 with threonine.
Molecular consequence: missense variant.
Genome position (GRCh38, 1-based): chr1:12,005,737, T>A. VCF-style: chr1-12005737-T-A. GRCh37 (hg19) VCF-style: chr1-12065794-T-A.
Other names: c.1522T>A, p.Ser508Thr (NM_001127660.2); short protein forms S508T.
Identifiers: ClinVar variation 949504 (VCV000949504.10), dbSNP rs751397699, ClinGen allele CA599148.
Genomic context (GRCh38, chr1:12,005,737, plus strand): 5'-TGATAAGCTTTTCCTCCATTTCTCTTCCTGACAGATGGCTTGAAACCCCTCCTTCCTGTG[T>A]CTGTGCGGAGTCAGATAGACATGCTGGTCCCACGCCAGTGCTTCTCCCTCAACTATGACC-3'
Protein context (NP_055689.1, residues 498-518): IDGLKPLLPV[Ser508Thr]VRSQIDMLVP

ClinVar aggregate classification (germline): Uncertain significance. Review status: criteria provided, multiple submitters, no conflicts (2 of 4 stars). 3 submissions from 3 submitters: Uncertain significance (3). Last evaluated 2026-01-24.

Conditions:
MFN2-related disorder. Also called: MFN2-related disorders; MFN2-related condition.
Inborn genetic diseases. Identifiers: MedGen C0950123, MeSH D030342.
Charcot-Marie-Tooth disease type 2. Also called: Charcot-Marie-Tooth type 2. Identifiers: Orphanet 64746, MedGen C0270914, MONDO:0018993.

Allele frequency attached by ClinVar (database versions not stated): gnomAD exomes 0.00001 and 0.00002; TOPMed 0.00001; ExAC 0.00002; gnomAD 0.00002.
gnomAD v4.1: 42 of 1,614,110 alleles (0.0026%); highest among the groups gnomAD compares: Non-Finnish European, 0.0031%; no homozygotes.

Submissions (3):

Labcorp Genetics (formerly Invitae), Labcorp
Classification: Uncertain significance for Charcot-Marie-Tooth disease type 2. Last evaluated: 2026-01-24. Review status: criteria provided, single submitter. Criteria: Invitae Variant Classification Sherloc (09022015). Collection method: clinical testing. Allele origin: germline.
Comment: This sequence change replaces serine, which is neutral and polar, with threonine, which is neutral and polar, at codon 508 of the MFN2 protein (p.Ser508Thr). This variant is present in population databases (rs751397699, gnomAD 0.002%). This missense change has been observed in individual(s) with clinical features of Charcot-Marie-Tooth disease (internal data). ClinVar contains an entry for this variant (Variation ID: 949504). Invitae Evidence Modeling of protein sequence and biophysical properties (such as structural, functional, and spatial information, amino acid conservation, physicochemical variation, residue mobility, and thermodynamic stability) indicates that this missense variant is not expected to disrupt MFN2 protein function with a negative predictive value of 80%. In summary, the available evidence is currently insufficient to determine the role of this variant in disease. Therefore, it has been classified as a Variant of Uncertain Significance.

PreventionGenetics, part of Exact Sciences
Classification: Uncertain significance for MFN2-related condition. Last evaluated: 2025-12-01. Review status: criteria provided, single submitter. Criteria: ACMG Guidelines, 2015. Collection method: clinical testing. Allele origin: germline.
Comment: The MFN2 c.1522T>A variant is predicted to result in the amino acid substitution p.Ser508Thr. To our knowledge, this variant has not been reported in the literature. This variant is reported in 0.0039% of alleles in individuals of European (Non-Finnish) descent in gnomAD. At this time, the clinical significance of this variant is uncertain due to the absence of conclusive functional and genetic evidence.

Ambry Genetics
Classification: Uncertain significance for Inborn genetic diseases. Last evaluated: 2021-03-19. Review status: criteria provided, single submitter. Criteria: Ambry Variant Classification Scheme 2023. Collection method: clinical testing. Allele origin: germline.
Comment: The p.S508T variant (also known as c.1522T>A), located in coding exon 13 of the MFN2 gene, results from a T to A substitution at nucleotide position 1522. The serine at codon 508 is replaced by threonine, an amino acid with similar properties. This amino acid position is not well conserved in available vertebrate species. In addition, this alteration is predicted to be tolerated by in silico analysis. Since supporting evidence is limited at this time, the clinical significance of this alteration remains unclear.